The following is an entry in ClinVar:

NM_000038.6(APC):c.5969C>T (p.Thr1990Ile)

Gene: APC (APC regulator of Wnt signaling pathway; plus strand). Cytogenetic location: 5q22.2.
Variant type: single nucleotide variant.
Coding change: c.5969C>T on transcript NM_000038.6 (MANE Select); coding-DNA position 5969, C replaced by T.
Protein change: p.Thr1990Ile; replaces threonine 1990 with isoleucine.
Molecular consequence: missense variant.
Genome position (GRCh38, 1-based): chr5:112,841,563, C>T. VCF-style: chr5-112841563-C-T. GRCh37 (hg19) VCF-style: chr5-112177260-C-T.
Other names: c.5969C>T, p.Thr1990Ile (NM_001127510.3, NM_001354895.2); c.5915C>T, p.Thr1972Ile (NM_001127511.3); c.6023C>T, p.Thr2008Ile (NM_001354896.2); c.5999C>T, p.Thr2000Ile (NM_001354897.2); c.5894C>T, p.Thr1965Ile (NM_001354898.2); c.5885C>T, p.Thr1962Ile (NM_001354899.2); c.5846C>T, p.Thr1949Ile (NM_001354900.2); c.5792C>T, p.Thr1931Ile (NM_001354901.2); and 5 more; short protein forms T1864I, T1962I, T1990I, T2008I, T1707I, T1889I, T2000I, T1899I.
Identifiers: ClinVar variation 826082 (VCV000826082.15), dbSNP rs1476012829, ClinGen allele CA16034402.

ClinVar aggregate classification (germline): Uncertain significance. Review status: criteria provided, multiple submitters, no conflicts (2 of 4 stars). 2 submissions from 2 submitters: Uncertain significance (2). Last evaluated 2026-01-05.

Conditions:
Hereditary cancer-predisposing syndrome. Also called: Neoplastic Syndromes, Hereditary; Tumor predisposition; Hereditary neoplastic syndrome; Hereditary Cancer Syndrome. Identifiers: Orphanet 140162, MedGen C0027672, MeSH D009386, MONDO:0015356.
Familial adenomatous polyposis 1 (FAP1). Also called: POLYPOSIS, ADENOMATOUS INTESTINAL; FAMILIAL ADENOMATOUS POLYPOSIS 1, ATTENUATED. Identifiers: MedGen C2713442, MONDO:0021056, OMIM 175100. Disease mechanism: loss of function.

Allele frequency attached by ClinVar (database versions not stated): gnomAD exomes below 0.00001.
gnomAD v4.1: 1 of 1,613,966 alleles (0.000062%); highest among the groups gnomAD compares: South Asian, 0.0011%; no homozygotes.

Submissions (2):

Labcorp Genetics (formerly Invitae), Labcorp
Classification: Uncertain significance for Familial adenomatous polyposis 1. Last evaluated: 2026-01-05. Review status: criteria provided, single submitter. Criteria: Invitae Variant Classification Sherloc (09022015). Collection method: clinical testing. Allele origin: germline.
Comment: This sequence change replaces threonine, which is neutral and polar, with isoleucine, which is neutral and non-polar, at codon 1990 of the APC protein (p.Thr1990Ile). This variant is present in population databases (no rsID available, gnomAD 0.003%). This variant has not been reported in the literature in individuals affected with APC-related conditions. ClinVar contains an entry for this variant (Variation ID: 826082). Invitae Evidence Modeling of protein sequence and biophysical properties (such as structural, functional, and spatial information, amino acid conservation, physicochemical variation, residue mobility, and thermodynamic stability) indicates that this missense variant is not expected to disrupt APC protein function with a negative predictive value of 95%. In summary, the available evidence is currently insufficient to determine the role of this variant in disease. Therefore, it has been classified as a Variant of Uncertain Significance.

Ambry Genetics
Classification: Uncertain significance for Hereditary cancer-predisposing syndrome. Last evaluated: 2018-01-04. Review status: criteria provided, single submitter. Criteria: Ambry Variant Classification Scheme 2023. Collection method: clinical testing. Allele origin: germline.
Comment: The p.T1990I variant (also known as c.5969C>T), located in coding exon 15 of the APC gene, results from a C to T substitution at nucleotide position 5969. The threonine at codon 1990 is replaced by isoleucine, an amino acid with similar properties. This amino acid position is not well conserved in available vertebrate species. In addition, in silico predictors for this gene do not accurately predict pathogenicity. Since supporting evidence is limited at this time, the clinical significance of this alteration remains unclear.